The following is an entry in ClinVar:

NM_005391.5(PDK3):c.392T>C (p.Ile131Thr)

Gene: PDK3 (pyruvate dehydrogenase kinase 3; plus strand). Cytogenetic location: Xp22.11.
Variant type: single nucleotide variant.
Coding change: c.392T>C on transcript NM_005391.5 (MANE Select); coding-DNA position 392, T replaced by C.
Protein change: p.Ile131Thr; replaces isoleucine 131 with threonine.
Molecular consequence: missense variant.
Genome position (GRCh38, 1-based): chrX:24,503,398, T>C. VCF-style: chrX-24503398-T-C. GRCh37 (hg19) VCF-style: chrX-24521515-T-C.
Other names: c.392T>C, p.Ile131Thr (NM_001142386.3); short protein forms I131T.
Identifiers: ClinVar variation 2107617 (VCV002107617.4), dbSNP rs2518579555, ClinGen allele CA412605263.

ClinVar aggregate classification (germline): Uncertain significance (1 of 4 stars; one submission).

Conditions:
Charcot-Marie-Tooth disease X-linked dominant 6. Also called: CHARCOT-MARIE-TOOTH NEUROPATHY, X-LINKED DOMINANT, 6. Identifiers: Orphanet 352675, MedGen C3806702, MONDO:0010479, OMIM 300905.

Submission:

Labcorp Genetics (formerly Invitae), Labcorp
Classification: Uncertain significance for Charcot-Marie-Tooth disease X-linked dominant 6. Last evaluated: 2022-03-08. Review status: criteria provided, single submitter. Criteria: Invitae Variant Classification Sherloc (09022015). Collection method: clinical testing. Allele origin: germline.
Comment: In summary, the available evidence is currently insufficient to determine the role of this variant in disease. Therefore, it has been classified as a Variant of Uncertain Significance. Algorithms developed to predict the effect of missense changes on protein structure and function are either unavailable or do not agree on the potential impact of this missense change (SIFT: "Deleterious"; PolyPhen-2: "Benign"; Align-GVGD: "Class C65"). This variant has not been reported in the literature in individuals affected with PDK3-related conditions. This variant is not present in population databases (gnomAD no frequency). This sequence change replaces isoleucine, which is neutral and non-polar, with threonine, which is neutral and polar, at codon 131 of the PDK3 protein (p.Ile131Thr).